The following is an entry in ClinVar:

NM_000384.3(APOB):c.2898C>G (p.Cys966Trp)

Gene: APOB (apolipoprotein B; minus strand). Cytogenetic location: 2p24.1.
Variant type: single nucleotide variant.
Coding change: c.2898C>G on transcript NM_000384.3 (MANE Select); coding-DNA position 2898, C replaced by G.
Protein change: p.Cys966Trp; replaces cysteine 966 with tryptophan.
Molecular consequence: missense variant.
Genome position (GRCh38, 1-based): chr2:21,019,824, G>C on the plus strand (C>G on the coding strand, the complement: APOB is on the minus strand). VCF-style: chr2-21019824-G-C. GRCh37 (hg19) VCF-style: chr2-21242696-G-C.
Other names: short protein forms C966W.
Identifiers: ClinVar variation 1797370 (VCV001797370.2), dbSNP rs1663559056, ClinGen allele CA346010285.

ClinVar aggregate classification (germline): Uncertain significance (1 of 4 stars; one submission).

Conditions:
Cardiovascular phenotype. Identifiers: MedGen CN230736.

Allele frequency attached by ClinVar (database versions not stated): TOPMed below 0.00001.

Submission:

Ambry Genetics
Classification: Uncertain significance for Cardiovascular phenotype. Last evaluated: 2022-10-11. Review status: criteria provided, single submitter. Criteria: Ambry Variant Classification Scheme 2023. Collection method: clinical testing. Allele origin: germline.
Comment: The p.C966W variant (also known as c.2898C>G), located in coding exon 19 of the APOB gene, results from a C to G substitution at nucleotide position 2898. The cysteine at codon 966 is replaced by tryptophan, an amino acid with highly dissimilar properties. This amino acid position is conserved. In addition, the in silico prediction for this alteration is inconclusive. Since supporting evidence is limited at this time, the clinical significance of this alteration remains unclear.